The following is an entry in ClinVar:

NM_001458.5(FLNC):c.4697C>G (p.Ala1566Gly)

Gene: FLNC (filamin C; plus strand). Cytogenetic location: 7q32.1.
Variant type: single nucleotide variant.
Coding change: c.4697C>G on transcript NM_001458.5 (MANE Select); coding-DNA position 4697, C replaced by G.
Protein change: p.Ala1566Gly; replaces alanine 1566 with glycine.
Molecular consequence: missense variant.
Genome position (GRCh38, 1-based): chr7:128,848,677, C>G. VCF-style: chr7-128848677-C-G. GRCh37 (hg19) VCF-style: chr7-128488731-C-G.
Other names: c.4697C>G, p.Ala1566Gly (NM_001127487.2); short protein forms A1566G.
Identifiers: ClinVar variation 1384511 (VCV001384511.7), dbSNP rs1808670044, ClinGen allele CA369202760.

ClinVar aggregate classification (germline): Uncertain significance (1 of 4 stars; one submission).

Conditions:
Myofibrillar myopathy 5. Also called: Filaminopathy (type); FILAMINOPATHY, AUTOSOMAL DOMINANT. Identifiers: Orphanet 171445, MedGen C1836050, MONDO:0012289, OMIM 609524.
Distal myopathy with posterior leg and anterior hand involvement. Also called: WILLIAMS DISTAL MYOPATHY. Identifiers: Orphanet 63273, MedGen C3279722, MONDO:0013550, OMIM 614065.
Hypertrophic cardiomyopathy 26. Also called: Cardiomyopathy, familial hypertrophic, 26. Identifiers: Orphanet 75249, MedGen C4310749, MONDO:0014883, OMIM 617047.

Submission:

Labcorp Genetics (formerly Invitae), Labcorp
Classification: Uncertain significance for Distal myopathy with posterior leg and anterior hand involvement; Myofibrillar myopathy 5; Hypertrophic cardiomyopathy 26. Last evaluated: 2025-02-06. Review status: criteria provided, single submitter. Criteria: Invitae Variant Classification Sherloc (09022015). Collection method: clinical testing. Allele origin: germline.
Comment: This sequence change replaces alanine, which is neutral and non-polar, with glycine, which is neutral and non-polar, at codon 1566 of the FLNC protein (p.Ala1566Gly). This variant is not present in population databases (gnomAD no frequency). This variant has not been reported in the literature in individuals affected with FLNC-related conditions. ClinVar contains an entry for this variant (Variation ID: 1384511). Invitae Evidence Modeling of protein sequence and biophysical properties (such as structural, functional, and spatial information, amino acid conservation, physicochemical variation, residue mobility, and thermodynamic stability) has been performed for this missense variant. However, the output from this modeling did not meet the statistical confidence thresholds required to predict the impact of this variant on FLNC protein function. In summary, the available evidence is currently insufficient to determine the role of this variant in disease. Therefore, it has been classified as a Variant of Uncertain Significance.